The following is an entry in ClinVar:

NM_152383.5(DIS3L2):c.1426A>G (p.Ile476Val)

Gene: DIS3L2 (DIS3 like 3'-5' exoribonuclease 2; plus strand). Cytogenetic location: 2q37.1.
Variant type: single nucleotide variant.
Coding change: c.1426A>G on transcript NM_152383.5 (MANE Select); coding-DNA position 1426, A replaced by G.
Protein change: p.Ile476Val; replaces isoleucine 476 with valine.
Molecular consequence: missense variant. On other transcripts: non-coding transcript variant (2).
Genome position (GRCh38, 1-based): chr2:232,263,207, A>G. VCF-style: chr2-232263207-A-G. GRCh37 (hg19) VCF-style: chr2-233127917-A-G.
Other names: c.1426A>G, p.Ile476Val (NM_001257281.2); short protein forms I476V.
Identifiers: ClinVar variation 946582 (VCV000946582.7), dbSNP rs1693760450, ClinGen allele CA350975100.
Genomic context (GRCh38, chr2:232,263,207, plus strand): 5'-AAGAAAAACCTGAAAAACATTTGTCCTCACAATTCCCTTGTAATCTGTCCATCTTTGCAG[A>G]TCCTTGATGAATGGTTTGGCCGGACCATCATCCGCTCCTGCACCAAACTTAGCTACGAGC-3'
Protein context (NP_689596.4, residues 466-486): VIWTLTPEGK[Ile476Val]LDEWFGRTII

ClinVar aggregate classification (germline): Uncertain significance (1 of 4 stars; one submission).

Conditions:
Perlman syndrome (PRLMNS). Identifiers: Orphanet 2849, MedGen C0796113, MONDO:0009965, OMIM 267000.

Submission:

Labcorp Genetics (formerly Invitae), Labcorp
Classification: Uncertain significance for Perlman syndrome. Last evaluated: 2021-11-16. Review status: criteria provided, single submitter. Criteria: Invitae Variant Classification Sherloc (09022015). Collection method: clinical testing. Allele origin: germline.
Comment: Algorithms developed to predict the effect of missense changes on protein structure and function are either unavailable or do not agree on the potential impact of this missense change (SIFT: "Tolerated"; PolyPhen-2: "Possibly Damaging"; Align-GVGD: "Class C0"). In summary, the available evidence is currently insufficient to determine the role of this variant in disease. Therefore, it has been classified as a Variant of Uncertain Significance. Algorithms developed to predict the effect of sequence changes on RNA splicing suggest that this variant may create or strengthen a splice site. ClinVar contains an entry for this variant (Variation ID: 946582). This variant has not been reported in the literature in individuals affected with DIS3L2-related conditions. This variant is not present in population databases (gnomAD no frequency). This sequence change replaces isoleucine, which is neutral and non-polar, with valine, which is neutral and non-polar, at codon 476 of the DIS3L2 protein (p.Ile476Val).